The following is an entry in ClinVar:

ClinVar aggregate classification (germline): Uncertain significance (1 of 4 stars; one submission).

Conditions:
BBS2-related disorder. Also called: BBS2-related condition; BBS2-related disorders. Identifiers: MedGen CN239228.

gnomAD v4.1: 1 of 1,613,764 alleles (0.000062%); no homozygotes.

Submission:

PreventionGenetics, part of Exact Sciences
Classification: Uncertain significance for BBS2-related condition. Last evaluated: 2025-07-14. Review status: criteria provided, single submitter. Criteria: ACMG Guidelines, 2015. Collection method: clinical testing. Allele origin: germline.
Comment: The BBS2 c.68G>A variant is predicted to result in the amino acid substitution p.Arg23His. To our knowledge, this variant has not been reported in the literature or in a large population database (gnomAD), indicating this variant is rare. At this time, the clinical significance of this variant is uncertain due to the absence of conclusive functional and genetic evidence.

NM_031885.5(BBS2):c.68G>A (p.Arg23His)

Gene: BBS2 (Bardet-Biedl syndrome 2; minus strand). Cytogenetic location: 16q13.
Variant type: single nucleotide variant.
Coding change: c.68G>A on transcript NM_031885.5 (MANE Select); coding-DNA position 68, G replaced by A.
Protein change: p.Arg23His; replaces arginine 23 with histidine.
Molecular consequence: missense variant. On other transcripts: non-coding transcript variant (5).
Genome position (GRCh38, 1-based): chr16:56,519,795, C>T on the plus strand (G>A on the coding strand, the complement: BBS2 is on the minus strand). VCF-style: chr16-56519795-C-T. GRCh37 (hg19) VCF-style: chr16-56553707-C-T.
Other names: c.68G>A, p.Arg23His (NM_001377456.1); short protein forms R23H.
Identifiers: ClinVar variation 4984389 (VCV004984389.1).
Genomic context (GRCh38, chr16:56,519,795, plus strand): 5'-GGAGCGGTTACCTTGCCCGTTTGGGTGGCGGCCGCCAGGCACGGGTGAGTCCCGTCGTAG[C>T]GCCCTATGGCCACCATTCGGGGGCTGATTTTGTGGCGCAGTTTCAGGGTGAACACAGGCA-3'
Protein context (NP_114091.4, residues 13-33): KISPRMVAIG[Arg23His]YDGTHPCLAA